The following is an entry in ClinVar:

ClinVar aggregate classification (germline): Conflicting classifications of pathogenicity. Review status: criteria provided, conflicting classifications (1 of 4 stars). 4 submissions from 3 submitters: Likely pathogenic (1); Uncertain significance (3). Last evaluated 2025-05-27.

Conditions:
Developmental and epileptic encephalopathy, 14 (DEE14). Also called: Early infantile epileptic encephalopathy 14. Identifiers: Orphanet 293181, MedGen C3554195, MONDO:0013989, OMIM 614959.
Autosomal dominant nocturnal frontal lobe epilepsy 5. Also called: KCNT1-Related Epilepsy; CILIARY DYSKINESIA, PRIMARY, 28, WITHOUT SITUS INVERSUS; CILIARY DYSKINESIA, PRIMARY, 28, WITH SITUS INVERSUS; Epilepsy, nocturnal frontal lobe, 5. Identifiers: Orphanet 98784, MedGen C3554306, MONDO:0014002, OMIM 615005.

Allele frequency attached by ClinVar (database versions not stated): gnomAD exomes below 0.00001 and 0.00001; ExAC 0.00001; gnomAD 0.00002; TOPMed 0.00002.

Submissions (4):

Labcorp Genetics (formerly Invitae), Labcorp
Classification: Likely pathogenic for Autosomal dominant nocturnal frontal lobe epilepsy 5; Developmental and epileptic encephalopathy, 14. Last evaluated: 2025-05-27. Review status: criteria provided, single submitter. Criteria: Invitae Variant Classification Sherloc (09022015). Collection method: clinical testing. Allele origin: germline.
Comment: This sequence change replaces arginine, which is basic and polar, with glutamine, which is neutral and polar, at codon 356 of the KCNT1 protein (p.Arg356Gln). This variant is present in population databases (rs758152252, gnomAD 0.0009%). This variant has not been reported in the literature in individuals affected with KCNT1-related conditions. ClinVar contains an entry for this variant (Variation ID: 373294). Invitae Evidence Modeling of protein sequence and biophysical properties (such as structural, functional, and spatial information, amino acid conservation, physicochemical variation, residue mobility, and thermodynamic stability) indicates that this missense variant is not expected to disrupt KCNT1 protein function with a negative predictive value of 80%. This variant disrupts the p.Arg356 amino acid residue in KCNT1. Other variant(s) that disrupt this residue have been determined to be pathogenic (PMID: 25326635, 31532594; internal data). This suggests that this residue is clinically significant, and that variants that disrupt this residue are likely to be disease-causing. In summary, the currently available evidence indicates that the variant is pathogenic, but additional data are needed to prove that conclusively. Therefore, this variant has been classified as Likely Pathogenic.

Genome-Nilou Lab
Classification: Uncertain significance for Developmental and epileptic encephalopathy, 14. Last evaluated: 2022-03-15. Review status: criteria provided, single submitter. Criteria: ACMG Guidelines, 2015. Collection method: clinical testing. Allele origin: germline. Affected: no.

Genome-Nilou Lab
Classification: Uncertain significance for Autosomal dominant nocturnal frontal lobe epilepsy 5. Last evaluated: 2022-03-15. Review status: criteria provided, single submitter. Criteria: ACMG Guidelines, 2015. Collection method: clinical testing. Allele origin: germline. Affected: no.

GeneDx
Classification: Uncertain significance. Last evaluated: 2016-12-02. Review status: criteria provided, single submitter. Criteria: GeneDx Variant Classification (06012015). Collection method: clinical testing. Allele origin: germline. Affected: yes.
Comment: The R356Q variant in the KCNT1 gene has not been reported previously as a pathogenic variant, nor as a benign variant, to our knowledge. The R356Q variant was not observed in approximately 6500 individuals of European and African American ancestry in the NHLBI Exome Sequencing Project, indicating it is not a common benign variant in these populations. The R356Q variant is a semi-conservative amino acid substitution, which may impact secondary protein structure as these residues differ in some properties. This substitution occurs at a position that is conserved in mammals. In silico analysis predicts this variant is probably damaging to the protein structure/function. We interpret R356Q as a variant of uncertain significance

Literature cited by the submitters: PubMed 25326635 (cited by Labcorp Genetics (formerly Invitae), Labcorp); PubMed 31532594 (cited by Labcorp Genetics (formerly Invitae), Labcorp).

NM_020822.3(KCNT1):c.1067G>A (p.Arg356Gln)

Gene: KCNT1 (potassium sodium-activated channel subfamily T member 1; plus strand). Cytogenetic location: 9q34.3.
Variant type: single nucleotide variant.
Coding change: c.1067G>A on transcript NM_020822.3 (MANE Select); coding-DNA position 1067, G replaced by A.
Protein change: p.Arg356Gln; replaces arginine 356 with glutamine.
Molecular consequence: missense variant.
Genome position (GRCh38, 1-based): chr9:135,765,062, G>A. VCF-style: chr9-135765062-G-A. GRCh37 (hg19) VCF-style: chr9-138656908-G-A.
Other names: c.932G>A, p.Arg311Gln (NM_001272003.2); short protein forms R356Q, R311Q.
Identifiers: ClinVar variation 373294 (VCV000373294.10), dbSNP rs758152252, ClinGen allele CA5326764.